The following is an entry in ClinVar:

NM_170682.4(P2RX2):c.-36T>C

Gene: P2RX2 (purinergic receptor P2X 2; plus strand). Cytogenetic location: 12q24.33.
Variant type: single nucleotide variant.
Coding change: c.-36T>C on transcript NM_170682.4 (MANE Select); 36 bases upstream of the start codon, T replaced by C.
Molecular consequence: 5 prime UTR variant.
Genome position (GRCh38, 1-based): chr12:132,618,781, T>C. VCF-style: chr12-132618781-T-C. GRCh37 (hg19) VCF-style: chr12-133195367-T-C.
Other names: c.-36T>C (NM_001282164.2, NM_001282165.2, NM_012226.5 and 4 more transcripts).
Identifiers: ClinVar variation 508567 (VCV000508567.2), dbSNP rs7314492, ClinGen allele CA6891288.

ClinVar aggregate classification (germline): Benign. Review status: criteria provided, multiple submitters, no conflicts (2 of 4 stars). 2 submissions from 2 submitters: Benign (2). Last evaluated 2017-05-09.

Allele frequency attached by ClinVar (database versions not stated): 1000 Genomes Project 0.07188; 1000 Genomes Project 30x 0.08198; TOPMed 0.08420; gnomAD 0.08839 and 0.08971; gnomAD exomes 0.10840; ExAC 0.16406.
gnomAD v4.1: 140,852 of 1,196,890 alleles (12%); highest among the groups gnomAD compares: East Asian, 22%; 9,071 homozygotes.

Submissions (2):

GeneDx
Classification: Benign. Last evaluated: 2017-05-09. Review status: criteria provided, single submitter. Criteria: GeneDx Variant Classification (06012015). Collection method: clinical testing. Allele origin: germline. Affected: yes.
Comment: This variant is considered likely benign or benign based on one or more of the following criteria: it is a conservative change, it occurs at a poorly conserved position in the protein, it is predicted to be benign by multiple in silico algorithms, and/or has population frequency not consistent with disease.

Breakthrough Genomics
Classification: Benign. Review status: criteria provided, single submitter. Criteria: ACMG Guidelines, 2015. Collection method: not provided. Allele origin: germline. Inheritance: Autosomal dominant inheritance. Affected: yes.